The following is an entry in ClinVar:

ClinVar aggregate classification (germline): Benign/Likely benign. Review status: criteria provided, multiple submitters, no conflicts (2 of 4 stars). 5 submissions from 5 submitters: Benign (1); Likely benign (4). Last evaluated 2026-02-02.

Conditions:
Mitochondrial complex II deficiency, nuclear type 1. Also called: SUCCINATE CoQ REDUCTASE DEFICIENCY. Identifiers: Orphanet 3208, MedGen C5700310, MONDO:0100294, OMIM 252011.
Pheochromocytoma/paraganglioma syndrome 5. Also called: Paragangliomas 5; SDHA-Related Hereditary Paraganglioma-Pheochromocytoma Syndrome. Identifiers: Orphanet 29072, MedGen C3279992, MONDO:0013602, OMIM 614165.
Hereditary cancer-predisposing syndrome. Also called: Tumor predisposition; Hereditary neoplastic syndrome; Hereditary Cancer Syndrome; Neoplastic Syndromes, Hereditary. Identifiers: Orphanet 140162, MedGen C0027672, MeSH D009386, MONDO:0015356.

Allele frequency attached by ClinVar (database versions not stated): TOPMed 0.00005; gnomAD exomes 0.00002; gnomAD 0.00003; ESP Exome Variant Server 0.00008.
gnomAD v4.1: 34 of 1,614,180 alleles (0.0021%); highest among the groups gnomAD compares: Middle Eastern, 0.13%; no homozygotes.

Submissions (5):

Labcorp Genetics (formerly Invitae), Labcorp
Classification: Likely benign for Pheochromocytoma/paraganglioma syndrome 5; Mitochondrial complex II deficiency, nuclear type 1. Last evaluated: 2026-02-02. Review status: criteria provided, single submitter. Criteria: Invitae Variant Classification Sherloc (09022015). Collection method: clinical testing. Allele origin: germline.

Myriad Genetics, Inc.
Classification: Benign for Pheochromocytoma/paraganglioma syndrome 5. Last evaluated: 2025-03-10. Review status: criteria provided, single submitter. Criteria: Myriad Autosomal Dominant, Autosomal Recessive and X-Linked Classification Criteria (2023). Collection method: clinical testing. Allele origin: unknown.
Comment: This variant is considered benign. This variant is a silent/synonymous amino acid change and it is not expected to impact splicing.

CeGaT Center for Human Genetics Tuebingen
Classification: Likely benign. Last evaluated: 2025-01-01. Review status: criteria provided, single submitter. Criteria: CeGaT Center For Human Genetics Tuebingen Variant Classification Criteria Version 2. Collection method: clinical testing. Allele origin: germline. Affected: yes. Observed: 2 variant alleles.
Comment: SDHA: BP4, BP7

Ambry Genetics
Classification: Likely benign for Hereditary cancer-predisposing syndrome. Last evaluated: 2023-07-26. Review status: criteria provided, single submitter. Criteria: Ambry Variant Classification Scheme 2023. Collection method: clinical testing. Allele origin: germline.

Genetic Services Laboratory, University of Chicago
Classification: Likely benign. Last evaluated: 2021-08-17. Review status: criteria provided, single submitter. Criteria: ACMG Guidelines, 2015. Collection method: clinical testing. Allele origin: germline. Affected: no.

NM_004168.4(SDHA):c.1233C>T (p.Gly411=)

Gene: SDHA (succinate dehydrogenase complex flavoprotein subunit A; plus strand). Cytogenetic location: 5p15.33.
Variant type: single nucleotide variant.
Coding change: c.1233C>T on transcript NM_004168.4 (MANE Select); coding-DNA position 1233, C replaced by T.
Protein change: p.Gly411=; no amino-acid change (glycine 411 retained).
Molecular consequence: synonymous variant.
Genome position (GRCh38, 1-based): chr5:235,312, C>T. VCF-style: chr5-235312-C-T. GRCh37 (hg19) VCF-style: chr5-235427-C-T.
Other names: c.1089C>T, p.Gly363= (NM_001294332.2); c.1233C>T, p.Gly411= (NM_001330758.2).
Identifiers: ClinVar variation 417259 (VCV000417259.37), dbSNP rs376530094, ClinGen allele CA3173143.
Genomic context (GRCh38, chr5:235,312, plus strand): 5'-TGGCGTGGACGTCACGAAGGAGCCGATCCCTGTCCTCCCCACCGTGCATTATAACATGGG[C>T]GGCATTCCCACCAACTACAAGGGGCAGGTGATGGTGCTGGCTCCTCCCCCACAGCTGGAA-3'
Protein context (NP_004159.2, residues 401-421): PVLPTVHYNM[Gly411=]GIPTNYKGQV